The following is an entry in ClinVar:

ClinVar aggregate classification (germline): Benign. Review status: criteria provided, single submitter (1 of 4 stars). 2 submissions from 2 submitters: Benign (1). 1 of the submissions does not count toward it. Last evaluated 2025-06-04.

Conditions:
Combined immunodeficiency due to LRBA deficiency. Also called: Common variable immunodeficiency 8, with autoimmunity. Identifiers: Orphanet 445018, MedGen C3553512, MONDO:0013863, OMIM 614700.

Allele frequency attached by ClinVar (database versions not stated): TOPMed below 0.00001; gnomAD 0.00001; gnomAD exomes 0.00005; ExAC 0.00013; 1000 Genomes Project 0.00020; 1000 Genomes Project 30x 0.00031.
gnomAD v4.1: 71 of 1,612,808 alleles (0.0044%); highest among the groups gnomAD compares: South Asian, 0.076%; 3 homozygotes.

Submissions (2):

Labcorp Genetics (formerly Invitae), Labcorp
Classification: Benign for Combined immunodeficiency due to LRBA deficiency. Last evaluated: 2025-06-04. Review status: criteria provided, single submitter. Criteria: Invitae Variant Classification Sherloc (09022015). Collection method: clinical testing. Allele origin: germline.

National Institute of Immunohaematology, Indian Council of Medical Research
Classification: Likely pathogenic for Combined immunodeficiency due to LRBA deficiency. Review status: no assertion criteria provided. Collection method: research. Allele origin: germline. Inheritance: Autosomal recessive inheritance. Affected: yes. Observed: 1 homozygote. Not counted in ClinVar's aggregate classification.
Comment: The C2600Y variant in LRBA has been previously reported. The protein modelling structure . The insilico prediction of the variant is deleterious and likely pathogenic using SIFT, polyphen2. The p.C2600Y variant located in coding exon 53 of the LRBA gene, results from a G to A substitution at nucleotide position 7799. This changes the amino acid from Cysteine to tyrosine within coding exon. This variant has been detected in an individual with LRBA mutation h (PMID : 35413226). This variant is considered to be rare based on population cohort in the Genome Aggregation Database (gnomAD) but has MAF of 0.0000998. In addition to the clinical data presented in the literature, this alteration suggests that the phenyl ring of tyrosine hinders the side chains of neighbouring amino acid Q2599 and disturbs the stability of the protein. However, insilco predictions are deleterious by SIFT, PolyPhen2.

Literature cited by the submitters: PubMed 35413226 (cited by National Institute of Immunohaematology, Indian Council of Medical Research).

NM_001364905.1(LRBA):c.7766G>A (p.Cys2589Tyr)

Gene: LRBA (LPS responsive beige-like anchor protein; minus strand). Cytogenetic location: 4q31.3.
Variant type: single nucleotide variant.
Coding change: c.7766G>A on transcript NM_001364905.1 (MANE Select); coding-DNA position 7766, G replaced by A.
Protein change: p.Cys2589Tyr; replaces cysteine 2589 with tyrosine.
Molecular consequence: missense variant.
Genome position (GRCh38, 1-based): chr4:150,310,312, C>T on the plus strand (G>A on the coding strand, the complement: LRBA is on the minus strand). VCF-style: chr4-150310312-C-T. GRCh37 (hg19) VCF-style: chr4-151231464-C-T.
Other names: c.7766G>A, p.Cys2589Tyr (NM_001199282.3); c.7781G>A, p.Cys2594Tyr (NM_001367550.1); c.7799G>A, p.Cys2600Tyr (NM_006726.5); short protein forms C2594Y, C2589Y, C2600Y.
Identifiers: ClinVar variation 2158188 (VCV002158188.6), dbSNP rs544856639, ClinGen allele CA3101533.
Genomic context (GRCh38, chr4:150,310,312, plus strand): 5'-AAACTTTTATCCCAGAAGCCACAGACGAGAATATAGCGGTTGTCTGAAGTGATGACAAAG[C>T]ACTGGGAATGCACTTGAATACTTTGGTCTAAAAGGTCAGTGATTTGCCTCCTGTGCATTC-3'
Protein context (NP_001351834.1, residues 2579-2599): LDQSIQVHSQ[Cys2589Tyr]FVITSDNRYI